The following is an entry in ClinVar:

NM_021625.5(TRPV4):c.2337-16G>A

Gene: TRPV4 (transient receptor potential cation channel subfamily V member 4; minus strand). Cytogenetic location: 12q24.11.
Variant type: single nucleotide variant.
Coding change: c.2337-16G>A on transcript NM_021625.5 (MANE Select); 16 bases into the intron before coding-DNA position 2337, G replaced by A.
Molecular consequence: intron variant.
Genome position (GRCh38, 1-based): chr12:109,784,453, C>T on the plus strand (G>A on the coding strand, the complement: TRPV4 is on the minus strand). VCF-style: chr12-109784453-C-T. GRCh37 (hg19) VCF-style: chr12-110222258-C-T.
Other names: c.2016-16G>A (NM_001177433.1); c.2196-16G>A (NM_001177428.1); c.2157-16G>A (NM_147204.2); c.2235-16G>A (NM_001177431.1).
Identifiers: ClinVar variation 509892 (VCV000509892.9), dbSNP rs373195035, ClinGen allele CA6779943.

ClinVar aggregate classification (germline): Benign/Likely benign. Review status: criteria provided, multiple submitters, no conflicts (2 of 4 stars). 2 submissions from 2 submitters: Benign (1); Likely benign (1). Last evaluated 2024-10-28.

Conditions:
Charcot-Marie-Tooth disease axonal type 2C (HMSN2C). Also called: CHARCOT-MARIE-TOOTH DISEASE, AXONAL, AUTOSOMAL DOMINANT, TYPE 2C; Charcot-Marie-Tooth Neuropathy Type 2C; Charcot-Marie-Tooth Disease Type 2, TRPV4-Related (CMT2C). Identifiers: Orphanet 99937, MedGen C1853710, MONDO:0011633, OMIM 606071.

Allele frequency attached by ClinVar (database versions not stated): TOPMed 0.00002; 1000 Genomes Project 0.00020; gnomAD exomes 0.00030 and 0.00017; gnomAD below 0.00001 and 0.00016; 1000 Genomes Project 30x 0.00016; ExAC 0.00026.
gnomAD v4.1: 275 of 1,614,106 alleles (0.017%); highest among the groups gnomAD compares: South Asian, 0.29%; 2 homozygotes.

Submissions (2):

Labcorp Genetics (formerly Invitae), Labcorp
Classification: Benign for Charcot-Marie-Tooth disease axonal type 2C. Last evaluated: 2024-10-28. Review status: criteria provided, single submitter. Criteria: Invitae Variant Classification Sherloc (09022015). Collection method: clinical testing. Allele origin: germline.

GeneDx
Classification: Likely benign. Last evaluated: 2017-06-01. Review status: criteria provided, single submitter. Criteria: GeneDx Variant Classification (06012015). Collection method: clinical testing. Allele origin: germline. Affected: yes.
Comment: This variant is considered likely benign or benign based on one or more of the following criteria: it is a conservative change, it occurs at a poorly conserved position in the protein, it is predicted to be benign by multiple in silico algorithms, and/or has population frequency not consistent with disease.